The following is an entry in ClinVar:

NM_001267550.2(TTN):c.86229G>C (p.Gln28743His)

Genes: TTN (titin; minus strand), TTN-AS1 (TTN antisense RNA 1; plus strand). Cytogenetic location: 2q31.2.
Variant type: single nucleotide variant.
Coding change: c.86229G>C on transcript NM_001267550.2 (MANE Select); coding-DNA position 86229, G replaced by C.
Protein change: p.Gln28743His; replaces glutamine 28743 with histidine.
Molecular consequence: missense variant.
Genome position (GRCh38, 1-based): chr2:178,559,903, C>G on the plus strand (G>C on the coding strand, the complement: TTN is on the minus strand). VCF-style: chr2-178559903-C-G. GRCh37 (hg19) VCF-style: chr2-179424630-C-G.
Other names: c.81306G>C, p.Gln27102His (NM_001256850.1); c.59034G>C, p.Gln19678His (NM_003319.4); c.78525G>C, p.Gln26175His (NM_133378.4); c.59409G>C, p.Gln19803His (NM_133432.3); c.59610G>C, p.Gln19870His (NM_133437.4); short protein forms Q19870H, Q27102H, Q19678H, Q28743H, Q19803H, Q26175H.
Identifiers: ClinVar variation 2920896 (VCV002920896.1), dbSNP rs1406219496, ClinGen allele CA349545641.
Genomic context (GRCh38, chr2:178,559,903, plus strand): 5'-GGTCTTCCTCATTTCACTGTCAATATCAAATAAAGGTTCTTCTTCTCTTTCCTTTGCTAT[C>G]TGAGGGTCAGAGCTATCACTGGGGTCACTAGCACCAACCTTATTGACAGATTTTACTCTG-3'
Protein context (NP_001254479.2, residues 28733-28753): ASDPSDSSDP[Gln28743His]IAKEREEEPL

ClinVar aggregate classification (germline): Uncertain significance (1 of 4 stars; one submission).

Submission:

ARUP Laboratories, Molecular Genetics and Genomics, ARUP Laboratories
Classification: Uncertain significance. Last evaluated: 2023-03-28. Review status: criteria provided, single submitter. Criteria: ARUP Molecular Germline Variant Investigation Process 2024. Collection method: clinical testing. Allele origin: germline.
Comment: The TTN c.86229G>C; p.Gln28743His variant (rs1406219496) is rare in the general population (<0.2% allele frequency in the Genome Aggregation Database) and has not been reported in the medical literature in association with dilated cardiomyopathy (DCM) or other TTN-related disease. The clinical relevance of rare missense variants in this gene, which are identified on average once per individual sequenced in affected populations (Herman 2012), is not well understood. Yet, evidence suggests that the vast majority of such missense variants do not contribute to the clinical outcome of DCM (Begay 2015). Thus, the clinical significance of the p.Gln28743His variant cannot be determined with certainty. References: Begay RL et al. Role of Titin Missense Variants in Dilated Cardiomyopathy. J Am Heart Assoc. 2015 Nov 13;4(11). PMID: 26567375. Herman DS et al. Truncations of titin causing dilated cardiomyopathy. N Engl J Med. 2012 Feb 16;366(7):619-28. PMID: 22335739. Linke WA and Hamdani N. Gigantic business: titin properties and function through thick and thin. Circ Res 2014; 114(6): 1052-1068. PMID: 24625729.